The following is an entry in ClinVar:

NM_003865.3(HESX1):c.309G>C (p.Leu103Phe)

Gene: HESX1 (HESX homeobox 1; minus strand). Cytogenetic location: 3p14.3.
Variant type: single nucleotide variant.
Coding change: c.309G>C on transcript NM_003865.3 (MANE Select); coding-DNA position 309, G replaced by C.
Protein change: p.Leu103Phe; replaces leucine 103 with phenylalanine.
Molecular consequence: missense variant.
Genome position (GRCh38, 1-based): chr3:57,198,801, C>G on the plus strand (G>C on the coding strand, the complement: HESX1 is on the minus strand). VCF-style: chr3-57198801-C-G. GRCh37 (hg19) VCF-style: chr3-57232829-C-G.
Other names: c.309G>C, p.Leu103Phe (NM_001376058.1, NM_001376059.1, NM_001376060.1 and 1 more transcripts); c.309G>C (NM_003865.2); short protein forms L103F.
Identifiers: ClinVar variation 1709304 (VCV001709304.11), dbSNP rs544122726, ClinGen allele CA2463286.

ClinVar aggregate classification (germline): Uncertain significance. Review status: criteria provided, multiple submitters, no conflicts (2 of 4 stars). 5 submissions from 5 submitters: Uncertain significance (5). Last evaluated 2026-05-01.

Conditions:
Inborn genetic diseases. Identifiers: MedGen C0950123, MeSH D030342.
Septo-optic dysplasia sequence (SOD). Also called: DE MORSIER SYNDROME; Septo-optic dysplasia. Identifiers: Orphanet 3157, MedGen C0338503, MONDO:0008428, OMIM 182230, HP:0100842.
GROWTH HORMONE DEFICIENCY WITH PITUITARY ANOMALIES. Identifiers: MedGen C2750027, OMIM 182230.

Allele frequency attached by ClinVar (database versions not stated): ExAC 0.00003; gnomAD 0.00003; 1000 Genomes Project 30x 0.00016; 1000 Genomes Project 0.00020.
gnomAD v4.1: 28 of 1,614,140 alleles (0.0017%); highest among the groups gnomAD compares: Middle Eastern, 0.033%; no homozygotes.

Submissions (5):

CeGaT Center for Human Genetics Tuebingen
Classification: Uncertain significance. Last evaluated: 2026-05-01. Review status: criteria provided, single submitter. Criteria: CeGaT Center For Human Genetics Tuebingen Variant Classification Criteria Version 2. Collection method: clinical testing. Allele origin: germline. Affected: yes. Observed: 1 variant allele.
Comment: HESX1: PM2

Labcorp Genetics (formerly Invitae), Labcorp
Classification: Uncertain significance for GROWTH HORMONE DEFICIENCY WITH PITUITARY ANOMALIES; Septo-optic dysplasia sequence. Last evaluated: 2025-08-22. Review status: criteria provided, single submitter. Criteria: Invitae Variant Classification Sherloc (09022015). Collection method: clinical testing. Allele origin: germline.
Comment: This sequence change replaces leucine, which is neutral and non-polar, with phenylalanine, which is neutral and non-polar, at codon 103 of the HESX1 protein (p.Leu103Phe). This variant is present in population databases (rs544122726, gnomAD 0.009%). This variant has not been reported in the literature in individuals affected with HESX1-related conditions. ClinVar contains an entry for this variant (Variation ID: 1709304). An algorithm developed to predict the effect of missense changes on protein structure and function (PolyPhen-2) suggests that this variant is likely to be disruptive. In summary, the available evidence is currently insufficient to determine the role of this variant in disease. Therefore, it has been classified as a Variant of Uncertain Significance.

Women's Health and Genetics/Laboratory Corporation of America, LabCorp
Classification: Uncertain significance. Last evaluated: 2024-11-19. Review status: criteria provided, single submitter. Criteria: LabCorp Variant Classification Summary - May 2015. Collection method: clinical testing. Allele origin: germline.
Comment: Variant summary: HESX1 c.309G>C (p.Leu103Phe) results in a non-conservative amino acid change in the encoded protein sequence. Three of five in-silico tools predict a damaging effect of the variant on protein function. The variant allele was found at a frequency of 2.4e-05 in 251350 control chromosomes. The available data on variant occurrences in the general population are insufficient to allow any conclusion about variant significance. To our knowledge, no occurrence of c.309G>C in individuals affected with HESX1-Related Disorders and no experimental evidence demonstrating its impact on protein function have been reported. ClinVar contains an entry for this variant (Variation ID: 1709304). Based on the evidence outlined above, the variant was classified as uncertain significance.

MGZ Medical Genetics Center
Classification: Uncertain significance for Septo-optic dysplasia sequence. Last evaluated: 2022-04-12. Review status: criteria provided, single submitter. Criteria: ACMG Guidelines, 2015. Collection method: clinical testing. Allele origin: germline. Affected: yes. Observed: 1 variant allele.
Comment: ACMG criteria applied: PM2_SUP

Ambry Genetics
Classification: Uncertain significance for Inborn genetic diseases. Last evaluated: 2021-04-20. Review status: criteria provided, single submitter. Criteria: Ambry Variant Classification Scheme 2023. Collection method: clinical testing. Allele origin: germline.
Comment: The c.309G>C (p.L103F) alteration is located in exon 2 (coding exon 2) of the HESX1 gene. This alteration results from a G to C substitution at nucleotide position 309, causing the leucine (L) at amino acid position 103 to be replaced by a phenylalanine (F). The in silico prediction for the p.L103F alteration is inconclusive. Based on insufficient or conflicting evidence, the clinical significance of this alteration remains unclear.